The following is an entry in ClinVar:

ClinVar aggregate classification (germline): Uncertain significance (1 of 4 stars; one submission).

Conditions:
Cardiovascular phenotype. Identifiers: MedGen CN230736.

gnomAD v4.1: 1 of 1,614,200 alleles (0.000062%); highest among the groups gnomAD compares: Non-Finnish European, 0.000085%; no homozygotes.

Submission:

Ambry Genetics
Classification: Uncertain significance for Cardiovascular phenotype. Last evaluated: 2025-08-09. Review status: criteria provided, single submitter. Criteria: Ambry Variant Classification Scheme 2023. Collection method: clinical testing. Allele origin: germline.
Comment: The p.Y641D variant (also known as c.1921T>G), located in coding exon 13 of the ABCG8 gene, results from a T to G substitution at nucleotide position 1921. The tyrosine at codon 641 is replaced by aspartic acid, an amino acid with highly dissimilar properties. This amino acid position is conserved. In addition, this alteration is predicted to be tolerated by in silico analysis. Based on the available evidence, the clinical significance of this variant remains unclear.

NM_022437.3(ABCG8):c.1921T>G (p.Tyr641Asp)

Gene: ABCG8 (ATP binding cassette subfamily G member 8; plus strand). Cytogenetic location: 2p21.
Variant type: single nucleotide variant.
Coding change: c.1921T>G on transcript NM_022437.3 (MANE Select); coding-DNA position 1921, T replaced by G.
Protein change: p.Tyr641Asp; replaces tyrosine 641 with aspartic acid.
Molecular consequence: missense variant.
Genome position (GRCh38, 1-based): chr2:43,877,812, T>G. VCF-style: chr2-43877812-T-G. GRCh37 (hg19) VCF-style: chr2-44104951-T-G.
Other names: c.1918T>G, p.Tyr640Asp (NM_001357321.2); short protein forms Y641D, Y640D.
Identifiers: ClinVar variation 4150821 (VCV004150821.1).